The following is an entry in ClinVar:

NM_003803.4(MYOM1):c.2717A>C (p.Glu906Ala)

Gene: MYOM1 (myomesin 1; minus strand). Cytogenetic location: 18p11.31.
Variant type: single nucleotide variant.
Coding change: c.2717A>C on transcript NM_003803.4 (MANE Select); coding-DNA position 2717, A replaced by C.
Protein change: p.Glu906Ala; replaces glutamic acid 906 with alanine.
Molecular consequence: missense variant. On other transcripts: intron variant (1).
Genome position (GRCh38, 1-based): chr18:3,129,309, T>G on the plus strand (A>C on the coding strand, the complement: MYOM1 is on the minus strand). VCF-style: chr18-3129309-T-G. GRCh37 (hg19) VCF-style: chr18-3129307-T-G.
Other names: c.2506+2066A>C (NM_019856.2); short protein forms E906A.
Identifiers: ClinVar variation 410252 (VCV000410252.9), dbSNP rs760763098, ClinGen allele CA8874548.

ClinVar aggregate classification (germline): Uncertain significance. Review status: criteria provided, multiple submitters, no conflicts (2 of 4 stars). 2 submissions from 2 submitters: Uncertain significance (2). Last evaluated 2025-07-10.

Conditions:
Cardiovascular phenotype. Identifiers: MedGen CN230736.
Hypertrophic cardiomyopathy. Also called: HYPERTROPHIC MYOCARDIOPATHY. Identifiers: Orphanet 217569, MedGen C0007194, MeSH D002312, MONDO:0005045, HP:0001639.

Allele frequency attached by ClinVar (database versions not stated): gnomAD 0.00006 and 0.00007; TOPMed 0.00011.
gnomAD v4.1: 497 of 1,613,902 alleles (0.031%); highest among the groups gnomAD compares: Non-Finnish European, 0.041%; no homozygotes.

Submissions (2):

Labcorp Genetics (formerly Invitae), Labcorp
Classification: Uncertain significance for Hypertrophic cardiomyopathy. Last evaluated: 2025-07-10. Review status: criteria provided, single submitter. Criteria: Invitae Variant Classification Sherloc (09022015). Collection method: clinical testing. Allele origin: germline.
Comment: This sequence change replaces glutamic acid, which is acidic and polar, with alanine, which is neutral and non-polar, at codon 906 of the MYOM1 protein (p.Glu906Ala). This variant is present in population databases (rs760763098, gnomAD 0.03%). This variant has not been reported in the literature in individuals affected with MYOM1-related conditions. ClinVar contains an entry for this variant (Variation ID: 410252). An algorithm developed to predict the effect of missense changes on protein structure and function outputs the following: PolyPhen-2: "Benign". The alanine amino acid residue is found in multiple mammalian species, which suggests that this missense change does not adversely affect protein function. In summary, the available evidence is currently insufficient to determine the role of this variant in disease. Therefore, it has been classified as a Variant of Uncertain Significance.

Ambry Genetics
Classification: Uncertain significance for Cardiovascular phenotype. Last evaluated: 2013-09-24. Review status: criteria provided, single submitter. Criteria: Ambry Autosomal Dominant and X-Linked criteria (10/2015). Collection method: clinical testing. Allele origin: germline. Observed: 1 variant allele.
Comment: The p.E906A variant (also known as c.2717A>C) is located in coding exon 17 of the MYOM1 gene. This alteration results from a A to C substitution at nucleotide position 2717. The glutamic acid at codon 906 is replaced by alanine, an amino acid with dissimilar properties.This variant was not reported in population-based cohorts in the following databases: Database of Single Nucleotide Polymorphisms (dbSNP), NHLBI Exome Sequencing Project (ESP) and 1000 Genomes Project.This amino acid position is poorly conserved on sequence alignment.This variant is predicted to be benign by PolyPhen and tolerated by SIFT in silico analyses. Since supporting evidence is limited at this time, the clinical significance of p.E906A remains unclear.